The following is an entry in ClinVar:

ClinVar aggregate classification (germline): Pathogenic (1 of 4 stars; one submission).

Conditions:
Galactosylceramide beta-galactosidase deficiency. Also called: GALACTOCEREBROSIDASE DEFICIENCY; GALC DEFICIENCY; GLOBOID CELL LEUKOENCEPHALOPATHY; Krabbe Disease; Leukodystrophy, Globoid Cell. Identifiers: Orphanet 487, MedGen C0023521, MONDO:0009499, OMIM 245200.

Submission:

Labcorp Genetics (formerly Invitae), Labcorp
Classification: Pathogenic for Galactosylceramide beta-galactosidase deficiency. Last evaluated: 2021-10-15. Review status: criteria provided, single submitter. Criteria: Invitae Variant Classification Sherloc (09022015). Collection method: clinical testing. Allele origin: germline.
Comment: For these reasons, this variant has been classified as Pathogenic. This variant disrupts a region of the GALC protein in which other variant(s) (p.Val681Met) have been determined to be pathogenic (PMID: 23462331, 31885218). This suggests that this is a clinically significant region of the protein, and that variants that disrupt it are likely to be disease-causing. This variant has not been reported in the literature in individuals affected with GALC-related conditions. This variant is not present in population databases (ExAC no frequency). This sequence change results in a frameshift in the GALC gene (p.Asp677Thrfs*12). While this is not anticipated to result in nonsense mediated decay, it is expected to disrupt the last 9 amino acid(s) of the GALC protein and extend the protein by 2 additional amino acid residues.

Literature cited by the submitters: PubMed 23462331; PubMed 31885218.

NM_000153.4(GALC):c.2029del (p.Asp677fs)

Gene: GALC (galactosylceramidase; minus strand). Cytogenetic location: 14q31.3.
Variant type: Deletion.
Coding change: c.2029del on transcript NM_000153.4 (MANE Select); coding-DNA position 2029, one base deleted (G; older notation c.2029delG).
Protein change: p.Asp677fs; shifts the reading frame from aspartic acid 677.
Molecular consequence: frameshift variant.
Genome position (GRCh38, 1-based): chr14:87,934,761, C deleted on the plus strand (G on the coding strand, the reverse complement: GALC is on the minus strand). VCF-style (leftmost placement, unchanged base first): chr14-87934760-TC-T. GRCh37 (hg19) VCF-style: chr14-88401104-TC-T.
Other names: c.1960del, p.Asp654fs (NM_001201401.2); c.1951del, p.Asp651fs (NM_001201402.2); short protein forms D651fs, D654fs, D677fs.
Identifiers: ClinVar variation 1453007 (VCV001453007.6), dbSNP rs2139925574, ClinGen allele CA2573150261.